The following is an entry in ClinVar:

ClinVar aggregate classification (germline): Uncertain significance. Review status: criteria provided, multiple submitters, no conflicts (2 of 4 stars). 2 submissions from 2 submitters: Uncertain significance (2). Last evaluated 2021-08-31.

Conditions:
Primary ciliary dyskinesia 33. Also called: CILIARY DYSKINESIA, PRIMARY, 33, WITHOUT SITUS INVERSUS. Identifiers: Orphanet 244, MedGen C4225230, MONDO:0014750, OMIM 616726.

Allele frequency attached by ClinVar (database versions not stated): gnomAD exomes 0.00007 and 0.00019; TOPMed 0.00013; 1000 Genomes Project 30x 0.00016; gnomAD 0.00016 and 0.00017; 1000 Genomes Project 0.00020; ExAC 0.00025.
gnomAD v4.1: 134 of 1,613,094 alleles (0.0083%); highest among the groups gnomAD compares: South Asian, 0.09%; no homozygotes.

Submissions (2):

Labcorp Genetics (formerly Invitae), Labcorp
Classification: Uncertain significance for Primary ciliary dyskinesia 33. Last evaluated: 2021-08-31. Review status: criteria provided, single submitter. Criteria: Invitae Variant Classification Sherloc (09022015). Collection method: clinical testing. Allele origin: germline.

GeneDx
Classification: Uncertain significance. Last evaluated: 2019-08-21. Review status: criteria provided, single submitter. Criteria: GeneDx Variant Classification Process June 2021. Collection method: clinical testing. Allele origin: germline. Affected: yes.
Comment: In silico analysis, which includes protein predictors and evolutionary conservation, supports a deleterious effect; Has not been previously published as pathogenic or benign to our knowledge

NM_001481.3(DRC4):c.1306C>T (p.Arg436Cys)

Gene: DRC4 (dynein regulatory complex subunit 4; plus strand). Cytogenetic location: 16q24.3.
Variant type: single nucleotide variant.
Coding change: c.1306C>T on transcript NM_001481.3 (MANE Select); coding-DNA position 1306, C replaced by T.
Protein change: p.Arg436Cys; replaces arginine 436 with cysteine.
Molecular consequence: missense variant. On other transcripts: non-coding transcript variant (1).
Genome position (GRCh38, 1-based): chr16:90,043,214, C>T. VCF-style: chr16-90043214-C-T. GRCh37 (hg19) VCF-style: chr16-90109622-C-T.
Other names: c.1057C>T, p.Arg353Cys (NM_001286205.2); c.730C>T, p.Arg244Cys (NM_001286208.2); c.1231C>T, p.Arg411Cys (NM_001286209.2); short protein forms R353C, R244C, R411C, R436C.
Identifiers: ClinVar variation 839874 (VCV000839874.7), dbSNP rs555627699, ClinGen allele CA8258234.